The following is an entry in ClinVar:

NM_003924.4(PHOX2B):c.26T>A (p.Leu9His)

Genes: PHOX2B (paired like homeobox 2B; minus strand), PHOX2B-AS1 (PHOX2B antisense RNA 1; plus strand). Cytogenetic location: 4p13.
Variant type: single nucleotide variant.
Coding change: c.26T>A on transcript NM_003924.4 (MANE Select); coding-DNA position 26, T replaced by A.
Protein change: p.Leu9His; replaces leucine 9 with histidine.
Molecular consequence: missense variant.
Genome position (GRCh38, 1-based): chr4:41,748,585, A>T on the plus strand (T>A on the coding strand, the complement: PHOX2B is on the minus strand). VCF-style: chr4-41748585-A-T. GRCh37 (hg19) VCF-style: chr4-41750602-A-T.
Other names: c.26T>A (NM_003924.3); short protein forms L9H.
Identifiers: ClinVar variation 1392284 (VCV001392284.10), dbSNP rs2153113080, ClinGen allele CA356741360.

ClinVar aggregate classification (germline): Uncertain significance. Review status: criteria provided, multiple submitters, no conflicts (2 of 4 stars). 4 submissions from 4 submitters: Uncertain significance (4). Last evaluated 2026-02-08.

Conditions:
Neuroblastoma, susceptibility to, 2. Identifiers: Orphanet 635, MedGen C2751682, MONDO:0700041, OMIM 613013.
Hereditary cancer-predisposing syndrome. Also called: Hereditary Cancer Syndrome; Tumor predisposition; Neoplastic Syndromes, Hereditary; Hereditary neoplastic syndrome. Identifiers: Orphanet 140162, MedGen C0027672, MeSH D009386, MONDO:0015356.
Haddad syndrome (OHD). Also called: Ondine-Hirschsprung disease. Identifiers: Orphanet 99803, MedGen C1859049, MONDO:0020493.

gnomAD v4.1: 1 of 1,613,056 alleles (0.000062%); highest among the groups gnomAD compares: Non-Finnish European, 0.000085%; no homozygotes.

Submissions (4):

GeneDx
Classification: Uncertain significance. Last evaluated: 2026-02-08. Review status: criteria provided, single submitter. Criteria: GeneDx Variant Classification Process June 2021. Collection method: clinical testing. Allele origin: germline.
Comment: Not observed at significant frequency in large population cohorts (gnomAD); In silico analysis supports that this missense variant has a deleterious effect on protein structure/function; Has not been previously published as pathogenic or benign to our knowledge

Ambry Genetics
Classification: Uncertain significance for Hereditary cancer-predisposing syndrome. Last evaluated: 2024-11-05. Review status: criteria provided, single submitter. Criteria: Ambry Variant Classification Scheme 2023. Collection method: clinical testing. Allele origin: germline.
Comment: The p.L9H variant (also known as c.26T>A), located in coding exon 1 of the PHOX2B gene, results from a T to A substitution at nucleotide position 26. The leucine at codon 9 is replaced by histidine, an amino acid with similar properties. This amino acid position is conserved. In addition, this alteration is predicted to be deleterious by in silico analysis. Based on the available evidence, the clinical significance of this variant remains unclear.

Baylor Genetics
Classification: Uncertain significance for Neuroblastoma, susceptibility to, 2. Last evaluated: 2024-02-13. Review status: criteria provided, single submitter. Criteria: ACMG Guidelines, 2015. Collection method: clinical testing. Allele origin: unknown.

Labcorp Genetics (formerly Invitae), Labcorp
Classification: Uncertain significance for Haddad syndrome. Last evaluated: 2022-09-06. Review status: criteria provided, single submitter. Criteria: Invitae Variant Classification Sherloc (09022015). Collection method: clinical testing. Allele origin: germline.
Comment: In summary, the available evidence is currently insufficient to determine the role of this variant in disease. Therefore, it has been classified as a Variant of Uncertain Significance. Algorithms developed to predict the effect of missense changes on protein structure and function (SIFT, PolyPhen-2, Align-GVGD) all suggest that this variant is likely to be disruptive. ClinVar contains an entry for this variant (Variation ID: 1392284). This variant has not been reported in the literature in individuals affected with PHOX2B-related conditions. This variant is not present in population databases (gnomAD no frequency). This sequence change replaces leucine, which is neutral and non-polar, with histidine, which is basic and polar, at codon 9 of the PHOX2B protein (p.Leu9His).